The following is an entry in ClinVar:

ClinVar aggregate classification (germline): Likely pathogenic (1 of 4 stars; one submission).

Conditions:
Early-infantile DEE. Also called: Ohtahara syndrome; Early infantile epileptic encephalopathy; Early infantile epileptic encephalopathy with suppression bursts. Identifiers: Orphanet 1934, MedGen C0393706, MONDO:0800491.

Submission:

Labcorp Genetics (formerly Invitae), Labcorp
Classification: Likely pathogenic for Early-infantile DEE. Last evaluated: 2021-03-29. Review status: criteria provided, single submitter. Criteria: Invitae Variant Classification Sherloc (09022015). Collection method: clinical testing. Allele origin: germline.
Comment: This variant has been observed in individual(s) with clinical features of KCNQ2-related conditions (Invitae). This variant is not present in population databases (ExAC no frequency). This sequence change replaces methionine with leucine at codon 578 of the KCNQ2 protein (p.Met578Leu). The methionine residue is highly conserved and there is a small physicochemical difference between methionine and leucine. In summary, the currently available evidence indicates that the variant is pathogenic, but additional data are needed to prove that conclusively. Therefore, this variant has been classified as Likely Pathogenic. This variant disrupts the p.Met578 amino acid residue in KCNQ2. Other variant(s) that disrupt this residue have been determined to be pathogenic (PMID: 25982755). This suggests that this residue is clinically significant, and that variants that disrupt this residue are likely to be disease-causing. Advanced modeling of protein sequence and biophysical properties (such as structural, functional, and spatial information, amino acid conservation, physicochemical variation, residue mobility, and thermodynamic stability) performed at Invitae indicates that this missense variant is expected to disrupt KCNQ2 protein function.

Literature cited by the submitters: PubMed 25982755.

NM_172107.4(KCNQ2):c.1732A>C (p.Met578Leu)

Gene: KCNQ2 (potassium voltage-gated channel subfamily Q member 2; minus strand). Cytogenetic location: 20q13.33.
Variant type: single nucleotide variant.
Coding change: c.1732A>C on transcript NM_172107.4 (MANE Select); coding-DNA position 1732, A replaced by C.
Protein change: p.Met578Leu; replaces methionine 578 with leucine.
Molecular consequence: missense variant.
Genome position (GRCh38, 1-based): chr20:63,413,481, T>G on the plus strand (A>C on the coding strand, the complement: KCNQ2 is on the minus strand). VCF-style: chr20-63413481-T-G. GRCh37 (hg19) VCF-style: chr20-62044834-T-G.
Other names: c.1678A>C, p.Met560Leu (NM_001382235.1, NM_172106.3); c.1648A>C, p.Met550Leu (NM_004518.6); c.1639A>C, p.Met547Leu (NM_172108.5); short protein forms M550L, M560L, M547L, M578L.
Identifiers: ClinVar variation 1483056 (VCV001483056.9), dbSNP rs1057516123, ClinGen allele CA409643458.